The following is an entry in ClinVar:

ClinVar aggregate classification (germline): Pathogenic (1 of 4 stars; one submission).

Submissions (2):

Labcorp Genetics (formerly Invitae), Labcorp
Classification: Pathogenic. Last evaluated: 2023-03-28. Review status: criteria provided, single submitter. Criteria: Invitae Variant Classification Sherloc (09022015). Collection method: clinical testing. Allele origin: germline.
Comment: For these reasons, this variant has been classified as Pathogenic. This variant has not been reported in the literature in individuals affected with LAMA3-related conditions. This variant is not present in population databases (gnomAD no frequency). This sequence change creates a premature translational stop signal (p.Gly1146*) in the LAMA3 gene. It is expected to result in an absent or disrupted protein product. Loss-of-function variants in LAMA3 are known to be pathogenic (PMID: 10366601, 11810295, 12915477, 16473856, 17362460, 22434185, 23869449, 27827380, 28087116).

Dr. Peter K. Rogan Lab, Western University
No classification provided (evidence only). Condition: Gastric cancer. Review status: no classification provided. Collection method: in vitro. Allele origin: not applicable. Functional consequence: retained intron. Not counted in ClinVar's aggregate classification.

Literature cited by the submitters: PubMed 10366601 (cited by Labcorp Genetics (formerly Invitae), Labcorp); PubMed 11810295 (cited by Labcorp Genetics (formerly Invitae), Labcorp); PubMed 12915477 (cited by Labcorp Genetics (formerly Invitae), Labcorp); PubMed 16473856 (cited by Labcorp Genetics (formerly Invitae), Labcorp); PubMed 17362460 (cited by Labcorp Genetics (formerly Invitae), Labcorp); PubMed 22434185 (cited by Labcorp Genetics (formerly Invitae), Labcorp); PubMed 23869449 (cited by Labcorp Genetics (formerly Invitae), Labcorp); PubMed 27827380 (cited by Labcorp Genetics (formerly Invitae), Labcorp); PubMed 28087116 (cited by Labcorp Genetics (formerly Invitae), Labcorp).

NM_198129.4(LAMA3):c.8263G>T (p.Gly2755Ter)

Gene: LAMA3 (laminin subunit alpha 3; plus strand). Cytogenetic location: 18q11.2.
Variant type: single nucleotide variant.
Coding change: c.8263G>T on transcript NM_198129.4 (MANE Select); coding-DNA position 8263, G replaced by T.
Protein change: p.Gly2755Ter; replaces glycine 2755 with a stop codon.
Molecular consequence: nonsense.
Genome position (GRCh38, 1-based): chr18:23,928,208, G>T. VCF-style: chr18-23928208-G-T. GRCh37 (hg19) VCF-style: chr18-21508172-G-T.
Other names: c.3436G>T, p.Gly1146Ter (NM_000227.6); c.8095G>T, p.Gly2699Ter (NM_001127717.4); c.3268G>T, p.Gly1090Ter (NM_001127718.4); short protein forms G1090*, G1146*, G2699*, G2755*.
Identifiers: ClinVar variation 2850481 (VCV002850481.4), dbSNP rs1599121619, ClinGen allele CA402063282.